The following is an entry in ClinVar:

ClinVar aggregate classification (germline): Uncertain significance (1 of 4 stars; one submission).

Conditions:
Hereditary breast ovarian cancer syndrome. Also called: Hereditary breast and ovarian cancer syndrome; Hereditary breast and ovarian cancer syndrome (HBOC); BRCA1- and BRCA2-Associated Hereditary Breast and Ovarian Cancer; Hereditary breast and ovarian cancer; Breast and ovarian cancer; Hereditary breast and/or ovarian cancer syndrome. Identifiers: Orphanet 145, MedGen C0677776, MeSH D061325, MONDO:0003582. Disease mechanism: loss of function.

Submission:

Labcorp Genetics (formerly Invitae), Labcorp
Classification: Uncertain significance for Hereditary breast ovarian cancer syndrome. Last evaluated: 2025-01-16. Review status: criteria provided, single submitter. Criteria: Invitae Variant Classification Sherloc (09022015). Collection method: clinical testing. Allele origin: germline.
Comment: This sequence change replaces serine, which is neutral and polar, with tyrosine, which is neutral and polar, at codon 956 of the BRCA1 protein (p.Ser956Tyr). This variant is not present in population databases (gnomAD no frequency). This variant has not been reported in the literature in individuals affected with BRCA1-related conditions. Invitae Evidence Modeling of protein sequence and biophysical properties (such as structural, functional, and spatial information, amino acid conservation, physicochemical variation, residue mobility, and thermodynamic stability) indicates that this missense variant is expected to disrupt BRCA1 protein function with a positive predictive value of 80%. In summary, the available evidence is currently insufficient to determine the role of this variant in disease. Therefore, it has been classified as a Variant of Uncertain Significance.

NM_007294.4(BRCA1):c.2867C>A (p.Ser956Tyr)

Gene: BRCA1 (BRCA1 DNA repair associated; minus strand). Cytogenetic location: 17q21.31.
Variant type: single nucleotide variant.
Coding change: c.2867C>A on transcript NM_007294.4 (MANE Select); coding-DNA position 2867, C replaced by A.
Protein change: p.Ser956Tyr; replaces serine 956 with tyrosine.
Molecular consequence: missense variant. On other transcripts: intron variant (137).
Genome position (GRCh38, 1-based): chr17:43,092,664, G>T on the plus strand (C>A on the coding strand, the complement: BRCA1 is on the minus strand). VCF-style: chr17-43092664-G-T. GRCh37 (hg19) VCF-style: chr17-41244681-G-T.
Other names: c.2723C>A, p.Ser908Tyr (NM_001407842.1, NM_001407844.1, NM_001407843.1 and 20 more transcripts); c.2726C>A, p.Ser909Tyr (NM_001407850.1, NM_001407851.1, NM_001407852.1 and 29 more transcripts); c.2654C>A, p.Ser885Tyr (NM_001407853.1, NM_001407571.1, NM_001407894.1 and 9 more transcripts); c.2867C>A, p.Ser956Tyr (NM_001407854.1, NM_001407858.1, NM_001407859.1 and 30 more transcripts); c.2864C>A, p.Ser955Tyr (NM_001407860.1, NM_001407861.1, NM_001407587.1 and 22 more transcripts); c.2663C>A, p.Ser888Tyr (NM_001407874.1, NM_001407875.1); c.2666C>A, p.Ser889Tyr (NM_001407862.1); c.2744C>A, p.Ser915Tyr (NM_001407863.1, NM_001407648.1, NM_001407664.1 and 19 more transcripts); and 41 more; short protein forms S660Y, S845Y, S867Y, S885Y, S914Y, S788Y, S844Y, S915Y.
Identifiers: ClinVar variation 3634660 (VCV003634660.2).
Genomic context (GRCh38, chr17:43,092,664, plus strand): 5'-TTTTGTAAAAGTCCATGTTTATTTGGAGTAATGAGTCCAGTTTCGTTGCCTCTGAACTGA[G>T]ATGATAGACAAAACCTAGAGCCTCCTTTGATACTACATTTGGCATTATCAACTGGCTTAT-3'
Protein context (NP_009225.1, residues 946-966): IKGGSRFCLS[Ser956Tyr]QFRGNETGLI